The following is an entry in ClinVar:

NM_003998.4(NFKB1):c.448del (p.Val150fs)

Gene: NFKB1 (nuclear factor kappa B subunit 1; plus strand). Cytogenetic location: 4q24.
Variant type: Deletion.
Coding change: c.448del on transcript NM_003998.4 (MANE Select); coding-DNA position 448, one base deleted (G; older notation c.448delG).
Protein change: p.Val150fs; shifts the reading frame from valine 150.
Molecular consequence: frameshift variant.
Genome position (GRCh38, 1-based): chr4:102,576,916, G deleted. VCF-style (leftmost placement, unchanged base first): chr4-102576915-AG-A. GRCh37 (hg19) VCF-style: chr4-103498072-AG-A.
Other names: c.445del, p.Val149fs (NM_001319226.2, NM_001382627.1, NM_001165412.2); c.448del, p.Val150fs (NM_001382625.1, NM_001382626.1); c.406del, p.Val136fs (NM_001382628.1); short protein forms V149fs, V136fs, V150fs.
Identifiers: ClinVar variation 4735195 (VCV004735195.1).

ClinVar aggregate classification (germline): Pathogenic (1 of 4 stars; one submission).

Submission:

Labcorp Genetics (formerly Invitae), Labcorp
Classification: Pathogenic. Last evaluated: 2026-01-12. Review status: criteria provided, single submitter. Criteria: Invitae Variant Classification Sherloc (09022015). Collection method: clinical testing. Allele origin: germline.
Comment: This sequence change creates a premature translational stop signal (p.Val150Tyrfs*9) in the NFKB1 gene. It is expected to result in an absent or disrupted protein product. Loss-of-function variants in NFKB1 are known to be pathogenic (PMID: 26279205, 29477724). This variant is not present in population databases (gnomAD no frequency). This variant has not been reported in the literature in individuals affected with NFKB1-related conditions. For these reasons, this variant has been classified as Pathogenic.

Literature cited by the submitters: PubMed 26279205; PubMed 29477724.